The following is an entry in ClinVar:

ClinVar aggregate classification (germline): Pathogenic (1 of 4 stars; one submission).

Conditions:
Methylmalonic aciduria due to methylmalonyl-CoA mutase deficiency (MAMM). Also called: Methylmalonic aciduria, mut type. Identifiers: Orphanet 27, MedGen C1855114, MONDO:0009612, OMIM 251000.

Submission:

Myriad Genetics, Inc.
Classification: Pathogenic for Methylmalonic aciduria due to methylmalonyl-CoA mutase deficiency. Last evaluated: 2025-03-04. Review status: criteria provided, single submitter. Criteria: Myriad Autosomal Dominant, Autosomal Recessive and X-Linked Classification Criteria (2023). Collection method: clinical testing. Allele origin: unknown.
Comment: NM_000255.3(MMUT):c.826G>T(E276*) is a nonsense variant classified as pathogenic in the context of methylmalonic acidemia, MMUT-related. E276* has been observed in a case with relevant disease (PMID: 22614770). Relevant functional assessments of this variant are not available in the literature. E276* has not been observed in referenced population frequency databases. In summary, NM_000255.3(MMUT):c.826G>T(E276*) is a nonsense variant in a gene where loss of function is a known mechanism of disease, is predicted to disrupt protein function, and has been observed more frequently in cases with the relevant disease than in healthy populations. Please note: this variant was assessed in the context of healthy population screening.

Literature cited by the submitters: PubMed 22614770.

NM_000255.4(MMUT):c.826G>T (p.Glu276Ter)

Gene: MMUT (methylmalonyl-CoA mutase; minus strand). Cytogenetic location: 6p12.3.
Variant type: single nucleotide variant.
Coding change: c.826G>T on transcript NM_000255.4 (MANE Select); coding-DNA position 826, G replaced by T.
Protein change: p.Glu276Ter; replaces glutamic acid 276 with a stop codon.
Molecular consequence: nonsense.
Genome position (GRCh38, 1-based): chr6:49,456,165, C>A on the plus strand (G>T on the coding strand, the complement: MMUT is on the minus strand). VCF-style: chr6-49456165-C-A. GRCh37 (hg19) VCF-style: chr6-49423878-C-A.
Other names: short protein forms E276*.
Identifiers: ClinVar variation 4081738 (VCV004081738.1), dbSNP rs766420051.